The following is an entry in ClinVar:

ClinVar aggregate classification (germline): Conflicting classifications of pathogenicity. Review status: criteria provided, conflicting classifications (1 of 4 stars). 5 submissions from 5 submitters: Uncertain significance (4); Likely benign (1). Last evaluated 2024-02-28.

Conditions:
Inborn genetic diseases. Identifiers: MedGen C0950123, MeSH D030342.
Osteogenesis imperfecta type 11. Also called: OI, TYPE XI; Osteogenesis imperfecta, type XI. Identifiers: Orphanet 666, MedGen C3151218, MONDO:0012592, OMIM 610968.
Bruck syndrome 1 (BRKS1). Also called: ARTHROGRYPOSIS-LIKE DISORDER. Identifiers: Orphanet 1149, Orphanet 2771, MedGen C1850168, MONDO:0009806, OMIM 259450.

Allele frequency attached by ClinVar (database versions not stated): TOPMed 0.00006; gnomAD 0.00007 and 0.00008; 1000 Genomes Project 30x 0.00016; 1000 Genomes Project 0.00020.
gnomAD v4.1: 123 of 1,613,438 alleles (0.0076%); highest among the groups gnomAD compares: Middle Eastern, 0.049%; no homozygotes.

Submissions (5):

Ambry Genetics
Classification: Likely benign for Inborn genetic diseases. Last evaluated: 2024-02-28. Review status: criteria provided, single submitter. Criteria: Ambry Variant Classification Scheme 2023. Collection method: clinical testing. Allele origin: germline.

GeneDx
Classification: Uncertain significance. Last evaluated: 2024-02-09. Review status: criteria provided, single submitter. Criteria: GeneDx Variant Classification Process June 2021. Collection method: clinical testing. Allele origin: germline. Affected: yes.
Comment: In silico analysis supports that this missense variant does not alter protein structure/function; Has not been previously published as pathogenic or benign to our knowledge

Labcorp Genetics (formerly Invitae), Labcorp
Classification: Uncertain significance. Last evaluated: 2022-08-08. Review status: criteria provided, single submitter. Criteria: Invitae Variant Classification Sherloc (09022015). Collection method: clinical testing. Allele origin: germline.
Comment: This sequence change replaces glycine, which is neutral and non-polar, with serine, which is neutral and polar, at codon 174 of the FKBP10 protein (p.Gly174Ser). This variant is present in population databases (rs140950528, gnomAD 0.02%). This variant has not been reported in the literature in individuals affected with FKBP10-related conditions. ClinVar contains an entry for this variant (Variation ID: 323183). Algorithms developed to predict the effect of missense changes on protein structure and function output the following: SIFT: "Tolerated"; PolyPhen-2: "Benign"; Align-GVGD: "Class C0". The serine amino acid residue is found in multiple mammalian species, which suggests that this missense change does not adversely affect protein function. In summary, the available evidence is currently insufficient to determine the role of this variant in disease. Therefore, it has been classified as a Variant of Uncertain Significance.

Baylor Genetics
Classification: Uncertain significance for Bruck syndrome 1. Last evaluated: 2019-09-20. Review status: criteria provided, single submitter. Criteria: ACMG Guidelines, 2015. Collection method: clinical testing. Allele origin: unknown. Affected: yes.
Comment: This variant was determined to be of uncertain significance according to ACMG Guidelines, 2015 [PMID:25741868].

Illumina Laboratory Services, Illumina
Classification: Uncertain significance for Osteogenesis imperfecta type 11. Last evaluated: 2018-01-13. Review status: criteria provided, single submitter. Criteria: ICSL Variant Classification Criteria 13 December 2019. Collection method: clinical testing. Allele origin: germline.

NM_021939.4(FKBP10):c.520G>A (p.Gly174Ser)

Gene: FKBP10 (FKBP prolyl isomerase 10; plus strand). Cytogenetic location: 17q21.2.
Variant type: single nucleotide variant.
Coding change: c.520G>A on transcript NM_021939.4 (MANE Select); coding-DNA position 520, G replaced by A.
Protein change: p.Gly174Ser; replaces glycine 174 with serine.
Molecular consequence: missense variant.
Genome position (GRCh38, 1-based): chr17:41,818,217, G>A. VCF-style: chr17-41818217-G-A. GRCh37 (hg19) VCF-style: chr17-39974469-G-A.
Other names: short protein forms G174S.
Identifiers: ClinVar variation 323183 (VCV000323183.9), dbSNP rs140950528, ClinGen allele CA8566264.
Genomic context (GRCh38, chr17:41,818,217, plus strand): 5'-GACACCGTGCAGGTGAGCACATTGCTGCGCCCGCCCCACTGCCCCCGCATGGTCCAGGAC[G>A]GCGACTTTGTCCGCTACCACTACAATGGCACCCTGCTGGACGGCACCTCCTTCGACACCA-3'
Protein context (NP_068758.3, residues 164-184): PPHCPRMVQD[Gly174Ser]DFVRYHYNGT